The following is an entry in ClinVar:

NM_004984.4(KIF5A):c.646_648del (p.Glu216del)

Gene: KIF5A (kinesin family member 5A; plus strand). Cytogenetic location: 12q13.3.
Variant type: Deletion.
Coding change: c.646_648del on transcript NM_004984.4 (MANE Select); coding-DNA positions 646 to 648, 3 bases deleted (GAG; older notation c.646_648delGAG).
Protein change: p.Glu216del; deletes glutamic acid 216.
Molecular consequence: inframe deletion.
Genome position (GRCh38, 1-based): chr12:57,567,550-57,567,552, GAG deleted; deleting any 3 consecutive bases within chr12:57,567,548-57,567,552 gives the same sequence; the c. name uses the placement nearest the transcript's 3' end. VCF-style (leftmost placement, unchanged base first): chr12-57567547-CAGG-C. GRCh37 (hg19) VCF-style: chr12-57961330-CAGG-C.
Other names: c.379_381del, p.Glu127del (NM_001354705.2); short protein forms E127del, E216del.
Identifiers: ClinVar variation 2672172 (VCV002672172.1), dbSNP rs2540497543, ClinGen allele CA2695199096.

ClinVar aggregate classification (germline): Uncertain significance (1 of 4 stars; one submission).

Conditions:
Inherited neurodegenerative disorder. Identifiers: Orphanet 183500, MedGen C5680568, MONDO:0024237.

Submission:

Clinical Genomics Laboratory, Washington University in St. Louis
Classification: Uncertain significance for Inherited neurodegenerative disorder. Last evaluated: 2023-10-26. Review status: criteria provided, single submitter. Criteria: ACMG Guidelines, 2015. Collection method: clinical testing. Allele origin: germline.
Comment: The KIF5A c.646_648del (p.Glu216del) variant, to our knowledge, has not been reported in the medical literature and is absent from the general population (gnomAD v.2.1.1), indicating it is not a common variant. This variant deletes a single glutamic acid from a beta sheet in the kinesin motor domain, a region that is enriched for pathogenic variation (ClinVar, Mutscore; Quinodoz M et al., PMID: 35120630). Due to limited information, and based on ACMG/AMP guidelines for variant interpretation (Richards S et al., PMID: 25741868), the clinical significance of this variant is uncertain at this time.